The following is an entry in ClinVar:

NM_000059.4(BRCA2):c.8960del (p.Leu2987fs)

Gene: BRCA2 (BRCA2 DNA repair associated; plus strand). Cytogenetic location: 13q13.1.
Variant type: Deletion.
Coding change: c.8960del on transcript NM_000059.4 (MANE Select); coding-DNA position 8960, one base deleted (T; older notation c.8960delT).
Protein change: p.Leu2987fs; shifts the reading frame from leucine 2987.
Molecular consequence: frameshift variant.
Genome position (GRCh38, 1-based): chr13:32,379,756, T deleted. VCF-style (leftmost placement, unchanged base first): chr13-32379755-CT-C. GRCh37 (hg19) VCF-style: chr13-32953892-CT-C.
Other names: short protein forms L2987fs.
Identifiers: ClinVar variation 1073704 (VCV001073704.7), dbSNP rs2137621956, ClinGen allele CA2499222356.

ClinVar aggregate classification (germline): Pathogenic (1 of 4 stars; one submission).

Conditions:
Hereditary breast ovarian cancer syndrome. Also called: Hereditary breast and ovarian cancer syndrome (HBOC); Hereditary breast and/or ovarian cancer syndrome; Hereditary breast and ovarian cancer; BRCA1- and BRCA2-Associated Hereditary Breast and Ovarian Cancer; Hereditary breast and ovarian cancer syndrome; Breast and ovarian cancer. Identifiers: Orphanet 145, MedGen C0677776, MeSH D061325, MONDO:0003582. Disease mechanism: loss of function.

Submission:

Labcorp Genetics (formerly Invitae), Labcorp
Classification: Pathogenic for Hereditary breast ovarian cancer syndrome. Last evaluated: 2020-10-05. Review status: criteria provided, single submitter. Criteria: Invitae Variant Classification Sherloc (09022015). Collection method: clinical testing. Allele origin: germline.
Comment: This variant has not been reported in the literature in individuals with BRCA2-related conditions. Loss-of-function variants in BRCA2 are known to be pathogenic (PMID: 20104584). This variant is not present in population databases (ExAC no frequency). For these reasons, this variant has been classified as Pathogenic. This sequence change creates a premature translational stop signal (p.Leu2987Argfs*14) in the BRCA2 gene. It is expected to result in an absent or disrupted protein product.

Literature cited by the submitters: PubMed 20104584.